The following is an entry in ClinVar:

ClinVar aggregate classification (germline): Benign/Likely benign. Review status: criteria provided, multiple submitters, no conflicts (2 of 4 stars). 5 submissions from 5 submitters: Benign (1); Likely benign (3). 1 of the submissions does not count toward it. Last evaluated 2026-01-21.

Conditions:
Inborn genetic diseases. Identifiers: MedGen C0950123, MeSH D030342.
SAMD9-related disorder. Also called: SAMD9-related condition.

Allele frequency attached by ClinVar (database versions not stated): gnomAD 0.00009 and 0.00017; TOPMed 0.00022; gnomAD exomes 0.00028 and 0.00037; ExAC 0.00040; 1000 Genomes Project 30x 0.00078; 1000 Genomes Project 0.00100.
gnomAD v4.1: 424 of 1,613,902 alleles (0.026%); highest among the groups gnomAD compares: East Asian, 0.84%; 2 homozygotes.

Submissions (5):

Labcorp Genetics (formerly Invitae), Labcorp
Classification: Benign. Last evaluated: 2026-01-21. Review status: criteria provided, single submitter. Criteria: Invitae Variant Classification Sherloc (09022015). Collection method: clinical testing. Allele origin: germline.

Ambry Genetics
Classification: Likely benign for Inborn genetic diseases. Last evaluated: 2024-11-23. Review status: criteria provided, single submitter. Criteria: Ambry Variant Classification Scheme 2023. Collection method: clinical testing. Allele origin: germline.

Blueprint Genetics
Classification: Likely benign. Last evaluated: 2024-06-07. Review status: criteria provided, single submitter. Criteria: ACMG Guidelines, 2015. Collection method: clinical testing. Allele origin: germline.

CeGaT Center for Human Genetics Tuebingen
Classification: Likely benign. Last evaluated: 2022-05-01. Review status: criteria provided, single submitter. Criteria: CeGaT Center For Human Genetics Tuebingen Variant Classification Criteria Version 2. Collection method: clinical testing. Allele origin: germline. Affected: yes. Observed: 1 variant allele.
Comment: SAMD9: BP4, BP7

PreventionGenetics, part of Exact Sciences
Classification: Likely benign for SAMD9-related condition. Last evaluated: 2024-07-22. Review status: no assertion criteria provided. Collection method: clinical testing. Allele origin: germline. Not counted in ClinVar's aggregate classification.
Comment: This variant is classified as likely benign based on ACMG/AMP sequence variant interpretation guidelines (Richards et al. 2015 PMID: 25741868, with internal and published modifications).

NM_017654.4(SAMD9):c.3171A>G (p.Ala1057=)

Gene: SAMD9 (sterile alpha motif domain containing 9; minus strand). Cytogenetic location: 7q21.2.
Variant type: single nucleotide variant.
Coding change: c.3171A>G on transcript NM_017654.4 (MANE Select); coding-DNA position 3171, A replaced by G.
Protein change: p.Ala1057=; no amino-acid change (alanine 1057 retained).
Molecular consequence: synonymous variant.
Genome position (GRCh38, 1-based): chr7:93,102,927, T>C on the plus strand (A>G on the coding strand, the complement: SAMD9 is on the minus strand). VCF-style: chr7-93102927-T-C. GRCh37 (hg19) VCF-style: chr7-92732240-T-C.
Other names: c.3171A>G (NM_017654.3); c.3171A>G, p.Ala1057= (NM_001193307.2).
Identifiers: ClinVar variation 1600353 (VCV001600353.34), dbSNP rs202205898, ClinGen allele CA4342739.